The following is an entry in ClinVar:

NM_032430.2(BRSK1):c.1378G>C (p.Gly460Arg)

Gene: BRSK1 (BR serine/threonine kinase 1; plus strand). Cytogenetic location: 19q13.42.
Variant type: single nucleotide variant.
Coding change: c.1378G>C on transcript NM_032430.2 (MANE Select); coding-DNA position 1378, G replaced by C.
Protein change: p.Gly460Arg; replaces glycine 460 with arginine.
Molecular consequence: missense variant.
Genome position (GRCh38, 1-based): chr19:55,304,581, G>C. VCF-style: chr19-55304581-G-C. GRCh37 (hg19) VCF-style: chr19-55815949-G-C.
Other names: short protein forms G460R.
Identifiers: ClinVar variation 5017741 (VCV005017741.1).

ClinVar aggregate classification (germline): Uncertain significance (1 of 4 stars; one submission).

Submission:

GeneDx
Classification: Uncertain significance. Last evaluated: 2026-03-27. Review status: criteria provided, single submitter. Criteria: GeneDx Variant Classification Process June 2021. Collection method: clinical testing. Allele origin: germline.
Comment: Not observed at significant frequency in large population cohorts (gnomAD); In silico analysis suggests that this missense variant does not alter protein structure/function; Has not been previously published as pathogenic or benign to our knowledge; Variants in candidate genes are classified as variants of uncertain significance in accordance with ACMG guidelines (PMID: 25741868)